The following is an entry in ClinVar:

NM_000789.4(ACE):c.213C>A (p.His71Gln)

Gene: ACE (angiotensin I converting enzyme; plus strand). Cytogenetic location: 17q23.3.
Variant type: single nucleotide variant.
Coding change: c.213C>A on transcript NM_000789.4 (MANE Select); coding-DNA position 213, C replaced by A.
Protein change: p.His71Gln; replaces histidine 71 with glutamine.
Molecular consequence: missense variant. On other transcripts: 5 prime UTR variant (2).
Genome position (GRCh38, 1-based): chr17:63,477,307, C>A. VCF-style: chr17-63477307-C-A. GRCh37 (hg19) VCF-style: chr17-61554668-C-A.
Other names: c.-23C>A (NM_001382700.1); c.-402C>A (NM_001382701.1); short protein forms H71Q.
Identifiers: ClinVar variation 1942620 (VCV001942620.5), dbSNP rs766548114, ClinGen allele CA400539069.
Genomic context (GRCh38, chr17:63,477,307, plus strand): 5'-GAGCTACAACTCCAGCGCCGAACAGGTGCTGTTCCAGAGCGTGGCCGCCAGCTGGGCGCA[C>A]GACACCAACATCACCGCGGAGAATGCAAGGCGCCAGGTGGGCGCCCGGGCCCGGGCGGGG-3'
Protein context (NP_000780.1, residues 61-81): LFQSVAASWA[His71Gln]DTNITAENAR

ClinVar aggregate classification (germline): Uncertain significance (1 of 4 stars; one submission).

gnomAD v4.1: 3 of 1,431,902 alleles (0.00021%); highest among the groups gnomAD compares: Admixed American, 0.0023%; no homozygotes.

Submission:

Labcorp Genetics (formerly Invitae), Labcorp
Classification: Uncertain significance. Last evaluated: 2022-02-06. Review status: criteria provided, single submitter. Criteria: Invitae Variant Classification Sherloc (09022015). Collection method: clinical testing. Allele origin: germline.
Comment: This sequence change replaces histidine, which is basic and polar, with glutamine, which is neutral and polar, at codon 71 of the ACE protein (p.His71Gln). This variant is not present in population databases (gnomAD no frequency). In summary, the available evidence is currently insufficient to determine the role of this variant in disease. Therefore, it has been classified as a Variant of Uncertain Significance. Algorithms developed to predict the effect of missense changes on protein structure and function are either unavailable or do not agree on the potential impact of this missense change (SIFT: "Deleterious"; PolyPhen-2: "Benign"; Align-GVGD: "Class C0"). This variant has not been reported in the literature in individuals affected with ACE-related conditions.